The following is an entry in ClinVar:

ClinVar aggregate classification (germline): Uncertain significance (1 of 4 stars; one submission).

Submission:

Dasa
Classification: Uncertain significance. Last evaluated: 2025-04-23. Review status: criteria provided, single submitter. Criteria: DASA Assertion Criteria. Collection method: clinical testing. Allele origin: germline.
Comment: NM_001353345.2(SETD1B):c.4166T>A (p.Leu1389Gln) is a missense variant that results in the substitution of leucine with glutamine. This variant is absent from population databases. Computational prediction algorithms are consistent with a benign effect. The currently available literature and clinical evidence are not sufficient to establish a definitive association between this variant and the reported condition. Therefore, this variant is classified as a variant of uncertain significance.

NM_001353345.2(SETD1B):c.4166T>A (p.Leu1389Gln)

Gene: SETD1B (SET domain containing 1B, histone lysine methyltransferase; plus strand). Cytogenetic location: 12q24.31.
Variant type: single nucleotide variant.
Coding change: c.4166T>A on transcript NM_001353345.2 (MANE Select); coding-DNA position 4166, T replaced by A.
Protein change: p.Leu1389Gln; replaces leucine 1389 with glutamine.
Molecular consequence: missense variant.
Genome position (GRCh38, 1-based): chr12:121,822,745, T>A. VCF-style: chr12-121822745-T-A. GRCh37 (hg19) VCF-style: chr12-122260651-T-A.
Other names: short protein forms L1389Q.
Identifiers: ClinVar variation 4882766 (VCV004882766.2).